The following is an entry in ClinVar:

NM_004320.6(ATP2A1):c.515C>T (p.Thr172Met)

Gene: ATP2A1 (ATPase sarcoplasmic/endoplasmic reticulum Ca2+ transporting 1; plus strand). Cytogenetic location: 16p11.2.
Variant type: single nucleotide variant.
Coding change: c.515C>T on transcript NM_004320.6 (MANE Select); coding-DNA position 515, C replaced by T.
Protein change: p.Thr172Met; replaces threonine 172 with methionine.
Molecular consequence: missense variant.
Genome position (GRCh38, 1-based): chr16:28,884,626, C>T. VCF-style: chr16-28884626-C-T. GRCh37 (hg19) VCF-style: chr16-28895947-C-T.
Other names: c.140C>T, p.Thr47Met (NM_001286075.2); c.515C>T, p.Thr172Met (NM_173201.5); short protein forms T172M, T47M.
Identifiers: ClinVar variation 886895 (VCV000886895.10), dbSNP rs779457144, ClinGen allele CA7986670.

ClinVar aggregate classification (germline): Uncertain significance. Review status: criteria provided, multiple submitters, no conflicts (2 of 4 stars). 2 submissions from 2 submitters: Uncertain significance (2). Last evaluated 2023-10-13.

Conditions:
Brody myopathy. Also called: BRODY DISEASE. Identifiers: Orphanet 53347, MedGen C1832918, MONDO:0010977, OMIM 601003.

Allele frequency attached by ClinVar (database versions not stated): ExAC 0.00001; gnomAD exomes 0.00001 and 0.00002.
gnomAD v4.1: 13 of 1,613,750 alleles (0.00081%); highest among the groups gnomAD compares: East Asian, 0.0067%; no homozygotes.

Submissions (2):

Labcorp Genetics (formerly Invitae), Labcorp
Classification: Uncertain significance for Brody myopathy. Last evaluated: 2023-10-13. Review status: criteria provided, single submitter. Criteria: Invitae Variant Classification Sherloc (09022015). Collection method: clinical testing. Allele origin: germline.
Comment: This sequence change replaces threonine, which is neutral and polar, with methionine, which is neutral and non-polar, at codon 172 of the ATP2A1 protein (p.Thr172Met). This variant is present in population databases (rs779457144, gnomAD 0.02%). This variant has not been reported in the literature in individuals affected with ATP2A1-related conditions. ClinVar contains an entry for this variant (Variation ID: 886895). An algorithm developed to predict the effect of missense changes on protein structure and function (PolyPhen-2) suggests that this variant is likely to be disruptive. In summary, the available evidence is currently insufficient to determine the role of this variant in disease. Therefore, it has been classified as a Variant of Uncertain Significance.

Illumina Laboratory Services, Illumina
Classification: Uncertain significance for Brody myopathy. Last evaluated: 2018-01-12. Review status: criteria provided, single submitter. Criteria: ICSL Variant Classification Criteria 13 December 2019. Collection method: clinical testing. Allele origin: germline.